The following is an entry in ClinVar:

NM_134261.3(RORA):c.196+51339G>A

Genes: RORA (RAR related orphan receptor A; minus strand), RORA-AS1 (RORA antisense RNA 1; plus strand). Cytogenetic location: 15q22.2.
Variant type: single nucleotide variant.
Coding change: c.196+51339G>A on transcript NM_134261.3 (MANE Select); 51339 bases into the intron after coding-DNA position 196, G replaced by A.
Molecular consequence: intron variant. On other transcripts: nonsense (2).
Genome position (GRCh38, 1-based): chr15:60,627,318, C>T on the plus strand (G>A on the coding strand, the complement: RORA is on the minus strand). VCF-style: chr15-60627318-C-T. GRCh37 (hg19) VCF-style: chr15-60919517-C-T.
Other names: c.57G>A, p.Trp19Ter (NM_002943.4, NM_134260.3); c.196+51339G>A (NM_134261.2); short protein forms W19*.
Identifiers: ClinVar variation 2445966 (VCV002445966.1), dbSNP rs2069614135, ClinGen allele CA392802007.

ClinVar aggregate classification (germline): Uncertain significance (1 of 4 stars; one submission).

Allele frequency attached by ClinVar (database versions not stated): TOPMed 0.00001.

Submission:

Women's Health and Genetics/Laboratory Corporation of America, LabCorp
Classification: Uncertain significance. Last evaluated: 2023-02-24. Review status: criteria provided, single submitter. Criteria: LabCorp Variant Classification Summary - May 2015. Collection method: clinical testing. Allele origin: germline.
Comment: Variant summary: RORA c.196+51339G>A affects a non-conserved nucleotide, located at a position not widely known to affect splicing. Several computational tools predict no significant impact on normal splicing. However, these predictions have yet to be confirmed by functional studies. In a different transcript, the variant falls to an alternative exon and results in a nonsense change (NM_134260.3, c.57G>A p.(Trp19X)), however this exon has no expression in available GTEx tissues, in addition, several truncating variants are reported in this exon in healthy carriers (gnomAD v2.1). The variant was absent in 251390 control chromosomes (gnomAD). The available data on variant occurrences in the general population are insufficient to allow any conclusion about variant significance. To our knowledge, no occurrence of c.196+51339G>A in individuals affected with Intellectual Developmental Disorder with or without Epilepsy or Cerebellar Ataxia and no experimental evidence demonstrating its impact on protein function have been reported. No clinical diagnostic laboratories have submitted clinical-significance assessments for this variant to ClinVar after 2014. Based on the evidence outlined above, the variant was classified as uncertain significance.